The following is an entry in ClinVar:

ClinVar aggregate classification (germline): Uncertain significance. Review status: criteria provided, multiple submitters, no conflicts (2 of 4 stars). 3 submissions from 3 submitters: Uncertain significance (3). Last evaluated 2024-11-25.

Conditions:
Cardiovascular phenotype. Identifiers: MedGen CN230736.
Brugada syndrome. Also called: Sudden unexpected nocturnal death syndrome; Sudden unexplained nocturnal death syndrome; Sudden Unexplained Death Syndrome; Sudden Unexplained Nocturnal Death Syndrome (SUNDS). Identifiers: Orphanet 130, MedGen C1142166, MONDO:0015263.

Allele frequency attached by ClinVar (database versions not stated): gnomAD exomes below 0.00001.

Submissions (3):

Labcorp Genetics (formerly Invitae), Labcorp
Classification: Uncertain significance for Brugada syndrome. Last evaluated: 2024-11-25. Review status: criteria provided, single submitter. Criteria: Invitae Variant Classification Sherloc (09022015). Collection method: clinical testing. Allele origin: germline.
Comment: This sequence change replaces glycine, which is neutral and non-polar, with aspartic acid, which is acidic and polar, at codon 544 of the SCN10A protein (p.Gly544Asp). The frequency data for this variant in the population databases is considered unreliable, as metrics indicate poor data quality at this position in the gnomAD database. This variant has not been reported in the literature in individuals affected with SCN10A-related conditions. ClinVar contains an entry for this variant (Variation ID: 1776840). Invitae Evidence Modeling of protein sequence and biophysical properties (such as structural, functional, and spatial information, amino acid conservation, physicochemical variation, residue mobility, and thermodynamic stability) indicates that this missense variant is not expected to disrupt SCN10A protein function with a negative predictive value of 95%. In summary, the available evidence is currently insufficient to determine the role of this variant in disease. Therefore, it has been classified as a Variant of Uncertain Significance.

Ambry Genetics
Classification: Uncertain significance for Cardiovascular phenotype. Last evaluated: 2024-05-21. Review status: criteria provided, single submitter. Criteria: Ambry Variant Classification Scheme 2023. Collection method: clinical testing. Allele origin: germline.
Comment: The p.G544D variant (also known as c.1631G>A), located in coding exon 11 of the SCN10A gene, results from a G to A substitution at nucleotide position 1631. The glycine at codon 544 is replaced by aspartic acid, an amino acid with similar properties. This amino acid position is conserved. In addition, the in silico prediction for this alteration is inconclusive. The evidence for this gene-disease relationship is limited; therefore, the clinical significance of this alteration is unclear.

Mayo Clinic Laboratories, Mayo Clinic
Classification: Uncertain significance. Last evaluated: 2024-01-31. Review status: criteria provided, single submitter. Criteria: ACMG Guidelines, 2015. Collection method: clinical testing. Allele origin: germline. Observed: 1 variant allele.

NM_006514.4(SCN10A):c.1631G>A (p.Gly544Asp)

Gene: SCN10A (sodium voltage-gated channel alpha subunit 10; minus strand). Cytogenetic location: 3p22.2.
Variant type: single nucleotide variant.
Coding change: c.1631G>A on transcript NM_006514.4 (MANE Select); coding-DNA position 1631, G replaced by A.
Protein change: p.Gly544Asp; replaces glycine 544 with aspartic acid.
Molecular consequence: missense variant. On other transcripts: intron variant (1).
Genome position (GRCh38, 1-based): chr3:38,752,343, C>T on the plus strand (G>A on the coding strand, the complement: SCN10A is on the minus strand). VCF-style: chr3-38752343-C-T. GRCh37 (hg19) VCF-style: chr3-38793834-C-T.
Other names: p.Gly544Asp; c.1631G>A, p.Gly544Asp (NM_001293306.2); c.1462-2159G>A (NM_001293307.2); c.1631G>A (NM_006514.3); short protein forms G544D.
Identifiers: ClinVar variation 1776840 (VCV001776840.6), dbSNP rs905291594, ClinGen allele CA72986403.
Genomic context (GRCh38, chr3:38,752,343, plus strand): 5'-TGCCTGGAGTCAGGGTTGCTGGGTTGAGGAAGAGGGCTTCTAGGGAGGGGGCCTTGCTGG[C>T]CAGCACCCCCACCCAGCAGCAGAGAGCCCCGATGGCTTTCGTGGTCTCCAGGAAAGACTC-3'
Protein context (NP_006505.4, residues 534-554): RGSLLLGGGA[Gly544Asp]QQGPLPRSPL